The following is an entry in ClinVar:

NM_024589.3(ROGDI):c.851A>G (p.Tyr284Cys)

Gene: ROGDI (rogdi atypical leucine zipper; minus strand). Cytogenetic location: 16p13.3.
Variant type: single nucleotide variant.
Coding change: c.851A>G on transcript NM_024589.3 (MANE Select); coding-DNA position 851, A replaced by G.
Protein change: p.Tyr284Cys; replaces tyrosine 284 with cysteine.
Molecular consequence: missense variant. On other transcripts: non-coding transcript variant (1).
Genome position (GRCh38, 1-based): chr16:4,797,473, T>C on the plus strand (A>G on the coding strand, the complement: ROGDI is on the minus strand). VCF-style: chr16-4797473-T-C. GRCh37 (hg19) VCF-style: chr16-4847474-T-C.
Other names: short protein forms Y284C.
Identifiers: ClinVar variation 461619 (VCV000461619.5), dbSNP rs370584122, ClinGen allele CA7882415.

ClinVar aggregate classification (germline): Uncertain significance (1 of 4 stars; one submission).

Conditions:
Amelocerebrohypohidrotic syndrome (KTZS). Also called: KOHLSCHUTTER SYNDROME; Kohlschutter's syndrome; EPILEPSY AND YELLOW TEETH; EPILEPSY, DEMENTIA, AND AMELOGENESIS IMPERFECTA. Identifiers: Orphanet 1946, MedGen C0406740, MONDO:0009185, OMIM 226750.

Allele frequency attached by ClinVar (database versions not stated): gnomAD exomes 0.00001 and 0.00002; ExAC 0.00003; ESP Exome Variant Server 0.00008; TOPMed 0.00009; gnomAD 0.00011.
gnomAD v4.1: 28 of 1,613,266 alleles (0.0017%); highest among the groups gnomAD compares: African/African-American, 0.032%; 1 homozygote.

Submission:

Labcorp Genetics (formerly Invitae), Labcorp
Classification: Uncertain significance for Amelocerebrohypohidrotic syndrome. Last evaluated: 2022-10-14. Review status: criteria provided, single submitter. Criteria: Invitae Variant Classification Sherloc (09022015). Collection method: clinical testing. Allele origin: germline.
Comment: This sequence change replaces tyrosine, which is neutral and polar, with cysteine, which is neutral and slightly polar, at codon 284 of the ROGDI protein (p.Tyr284Cys). This variant is present in population databases (rs370584122, gnomAD 0.03%). This variant has not been reported in the literature in individuals affected with ROGDI-related conditions. ClinVar contains an entry for this variant (Variation ID: 461619). Algorithms developed to predict the effect of missense changes on protein structure and function output the following: SIFT: "Deleterious"; PolyPhen-2: "Benign"; Align-GVGD: "Class C0". The cysteine amino acid residue is found in multiple mammalian species, which suggests that this missense change does not adversely affect protein function. In summary, the available evidence is currently insufficient to determine the role of this variant in disease. Therefore, it has been classified as a Variant of Uncertain Significance.